The following is an entry in ClinVar:

ClinVar aggregate classification (germline): Conflicting classifications of pathogenicity. Review status: criteria provided, conflicting classifications (1 of 4 stars). 12 submissions from 12 submitters: Uncertain significance (7); Likely benign (4). 1 of the submissions does not count toward it. Last evaluated 2026-04-25.

Conditions:
BRCA2-related disorder. Also called: BRCA2-related condition; BRCA2-related disorders. Identifiers: MedGen CN239275.
BRCA2-related cancer predisposition. Identifiers: MedGen CN377758, MONDO:0700269.
Hereditary cancer. Identifiers: MedGen C1333600.
Hereditary cancer-predisposing syndrome. Also called: Tumor predisposition; Neoplastic Syndromes, Hereditary; Hereditary neoplastic syndrome; Hereditary Cancer Syndrome. Identifiers: Orphanet 140162, MedGen C0027672, MeSH D009386, MONDO:0015356.
Hereditary breast ovarian cancer syndrome. Also called: Hereditary breast and ovarian cancer syndrome; Hereditary breast and ovarian cancer; Hereditary breast and ovarian cancer syndrome (HBOC); Hereditary breast and/or ovarian cancer syndrome; BRCA1- and BRCA2-Associated Hereditary Breast and Ovarian Cancer; Breast and ovarian cancer. Identifiers: Orphanet 145, MedGen C0677776, MeSH D061325, MONDO:0003582. Disease mechanism: loss of function.
Breast-ovarian cancer, familial, susceptibility to, 2 (BROVCA2). Also called: BRCA2 Hereditary Breast and Ovarian Cancer. Identifiers: Orphanet 145, MedGen C2675520, MONDO:0012933, OMIM 612555. Disease mechanism: loss of function.

Allele frequency attached by ClinVar (database versions not stated): gnomAD exomes 0.00001; ExAC 0.00002; gnomAD 0.00002; TOPMed 0.00004.
gnomAD v4.1: 16 of 1,611,950 alleles (0.00099%); highest among the groups gnomAD compares: Admixed American, 0.01%; no homozygotes.

Submissions (12):

PreventionGenetics, part of Exact Sciences
Classification: Uncertain significance for BRCA2-related condition. Last evaluated: 2026-04-25. Review status: criteria provided, single submitter. Criteria: ACMG Guidelines, 2015. Collection method: clinical testing. Allele origin: germline.
Comment: The BRCA2 c.5270A>G variant is predicted to result in the amino acid substitution p.Tyr1757Cys. This variant has been reported in individuals with breast cancer (Guindalini et al. 2022. PubMed ID: 35264596; Gifoni et al. 2022. PubMed ID: 35957908), an individual undergoing Lynch syndrome testing (Yurgelun et al. 2015. PubMed ID: 25980754), and two unaffected control individuals (Breast Cancer Association Consortium et al. 2021. PubMed ID: 33471991). This variant occurs within a region of the BRCA2 gene that is predicted to be tolerant to missense variation (Table 2, Dines et al. 2020. PubMed ID: 31911673). This variant is reported in 0.0029% of alleles in individuals of Latino descent in gnomAD and has conflicting interpretations of pathogenicity in ClinVar ranging from uncertain significance to likely benign (Variation ID: 156170). Although we suspect that this variant may be benign, at this time, the clinical significance of this variant is uncertain due to the absence of conclusive functional and genetic evidence.

Labcorp Genetics (formerly Invitae), Labcorp
Classification: Likely benign for Hereditary breast ovarian cancer syndrome. Last evaluated: 2025-12-03. Review status: criteria provided, single submitter. Criteria: Invitae Variant Classification Sherloc (09022015). Collection method: clinical testing. Allele origin: germline.

Quest Diagnostics Nichols Institute San Juan Capistrano
Classification: Uncertain significance. Last evaluated: 2025-05-21. Review status: criteria provided, single submitter. Criteria: Quest Diagnostics criteria. Collection method: clinical testing. Allele origin: unknown.
Comment: The BRCA2 c.5270A>G (p.Tyr1757Cys) variant has been reported in the published literature in individuals with breast cancer (PMIDs: 35264596 (2022), 28392550 (2018)), suspected Lynch syndrome (PMID: 25980754 (2015)), as well as in reportedly unaffected individuals (PMIDs: 35957908 (2022), 33471991 (2021), see also LOVD). This variant has been described to be located in a region of the BRCA2 gene that is tolerant to missense sequence changes (PMID: 31911673 (2020)). The frequency of this variant in the general population (Genome Aggregation Database) is uninformative in the assessment of its pathogenicity. Analysis of this variant using bioinformatics tools for the prediction of the effect of amino acid changes on protein structure and function yielded predictions that this variant is benign. Based on the available information, we are unable to determine the clinical significance of this variant.

Ambry Genetics
Classification: Likely benign for Hereditary cancer-predisposing syndrome. Last evaluated: 2025-02-12. Review status: criteria provided, single submitter. Criteria: Ambry Variant Classification Scheme 2023. Collection method: clinical testing. Allele origin: germline.

Women's Health and Genetics/Laboratory Corporation of America, LabCorp
Classification: Uncertain significance. Last evaluated: 2025-01-20. Review status: criteria provided, single submitter. Criteria: LabCorp Variant Classification Summary - May 2015. Collection method: clinical testing. Allele origin: germline.
Comment: Variant summary: BRCA2 c.5270A>G (p.Tyr1757Cys) results in a non-conservative amino acid change in the encoded protein sequence. Four of five in-silico tools predict a benign effect of the variant on protein function. The variant allele was found at a frequency of 1.2e-05 in 250310 control chromosomes. The available data on variant occurrences in the general population are insufficient to allow any conclusion about variant significance. c.5270A>G has been reported in the literature in individuals who underwent multigene panel testing for breast/ovarian cancer (Hwang_2017, Gifoni_2022, Guindalini_2022) or Lynch syndrome (Yurgelun_2015). These report(s) do not provide unequivocal conclusions about association of the variant with Hereditary Breast And Ovarian Cancer Syndrome. To our knowledge, no experimental evidence demonstrating an impact on protein function has been reported. The following publications have been ascertained in the context of this evaluation (PMID: 35957908, 35264596, 28392550, 25980754). ClinVar contains an entry for this variant (Variation ID: 156170). Based on the evidence outlined above, the variant was classified as uncertain significance.

All of Us Research Program, National Institutes of Health
Classification: Uncertain significance for BRCA2-related cancer predisposition. Last evaluated: 2024-07-10. Review status: criteria provided, single submitter. Criteria: ACMG Guidelines, 2015. Collection method: clinical testing. Allele origin: germline. Inheritance: Autosomal dominant inheritance. Observed: 8 variant alleles, 8 heterozygotes.
Comment: This missense variant replaces tyrosine with cysteine at codon 1757 of the BRCA2 protein. Computational prediction is inconclusive regarding the impact of this variant on protein structure and function (internally defined REVEL score threshold 0.5 < inconclusive < 0.7, PMID: 27666373). To our knowledge, functional studies have not been reported for this variant. This variant has been reported in several individuals affected with breast cancer (PMID: 28392550, 35264596) and an individual suspected of being affected by Lynch syndrome (PMID: 25980754). In a large breast cancer case-control study, this variant has been reported in 0/60466 cases and 1/53461 unaffected controls (PMID: 33471991). This variant has been identified in 3/250310 chromosomes in the general population by the Genome Aggregation Database (gnomAD). The available evidence is insufficient to determine the role of this variant in disease conclusively. Therefore, this variant is classified as a Variant of Uncertain Significance.

This study involves interpretation of variants in research participants for the purpose of population health screening. Participant phenotype was not available at the time of variant classification. Additional details can be found in publication PMID: 35346344, PMCID: PMC8962531

Color Diagnostics, LLC DBA Color Health
Classification: Uncertain significance for Hereditary cancer-predisposing syndrome. Last evaluated: 2024-06-17. Review status: criteria provided, single submitter. Criteria: ACMG Guidelines, 2015. Collection method: clinical testing. Allele origin: germline.
Comment: This missense variant replaces tyrosine with cysteine at codon 1757 of the BRCA2 protein. Computational prediction is inconclusive regarding the impact of this variant on protein structure and function (internally defined REVEL score threshold 0.5 < inconclusive < 0.7, PMID: 27666373). To our knowledge, functional studies have not been reported for this variant. This variant has been reported in several individuals affected with breast cancer (PMID: 28392550, 35264596) and an individual suspected of being affected by Lynch syndrome (PMID: 25980754). In a large breast cancer case-control study, this variant has been reported in 0/60466 cases and 1/53461 unaffected controls (PMID: 33471991). This variant has been identified in 3/250310 chromosomes in the general population by the Genome Aggregation Database (gnomAD). The available evidence is insufficient to determine the role of this variant in disease conclusively. Therefore, this variant is classified as a Variant of Uncertain Significance.

GeneDx
Classification: Uncertain significance. Last evaluated: 2024-04-08. Review status: criteria provided, single submitter. Criteria: GeneDx Variant Classification Process June 2021. Collection method: clinical testing. Allele origin: germline. Affected: yes.
Comment: Not observed at significant frequency in large population cohorts (gnomAD); In silico analysis supports that this missense variant has a deleterious effect on protein structure/function; Also known as 5498A>G; This variant is associated with the following publications: (PMID: 28392550, 25980754, 35264596, 33471991, 35957908)

Mendelics
Classification: Likely benign for Hereditary cancer. Last evaluated: 2024-01-23. Review status: criteria provided, single submitter. Criteria: ACMG Guidelines, 2015. Collection method: clinical testing. Allele origin: unknown.

University of Washington Department of Laboratory Medicine, University of Washington
Classification: Likely benign for Hereditary cancer-predisposing syndrome. Last evaluated: 2023-03-23. Review status: criteria provided, single submitter. Criteria: Dines et al. (Genet Med. 2020). Collection method: curation. Allele origin: germline.
Comment: Missense variant in a coldspot region where missense variants are very unlikely to be pathogenic (PMID:31911673).

BRCA2 exon 11 coldspot. Reclassification based on statistical prior probability.

Eurofins Ntd Llc (ga)
Classification: Uncertain significance. Last evaluated: 2015-05-11. Review status: criteria provided, single submitter. Criteria: EGL Classification Definitions 2015. Collection method: clinical testing. Allele origin: germline. Observed: 1 variant allele, 1 heterozygote.

Sharing Clinical Reports Project (SCRP)
Classification: Uncertain significance for Breast-ovarian cancer, familial 2. Last evaluated: 2012-06-08. Review status: no assertion criteria provided. Collection method: clinical testing. Allele origin: germline. Not counted in ClinVar's aggregate classification.

Literature cited by the submitters: PubMed 32832836 (cited by Quest Diagnostics Nichols Institute San Juan Capistrano); PubMed 25980754 (cited by 4 submitters); PubMed 31911673 (cited by Quest Diagnostics Nichols Institute San Juan Capistrano); PubMed 35957908 (cited by Quest Diagnostics Nichols Institute San Juan Capistrano and Women's Health and Genetics/Laboratory Corporation of America, LabCorp); PubMed 35264596 (cited by 4 submitters); PubMed 28392550 (cited by 4 submitters); PubMed 33471991 (cited by 3 submitters).

NM_000059.4(BRCA2):c.5270A>G (p.Tyr1757Cys)

Gene: BRCA2 (BRCA2 DNA repair associated; plus strand). Cytogenetic location: 13q13.1.
Variant type: single nucleotide variant.
Coding change: c.5270A>G on transcript NM_000059.4 (MANE Select); coding-DNA position 5270, A replaced by G.
Protein change: p.Tyr1757Cys; replaces tyrosine 1757 with cysteine.
Molecular consequence: missense variant.
Genome position (GRCh38, 1-based): chr13:32,339,625, A>G. VCF-style: chr13-32339625-A-G. GRCh37 (hg19) VCF-style: chr13-32913762-A-G.
Other names: 5498A>G; short protein forms Y1757C.
Identifiers: ClinVar variation 156170 (VCV000156170.47), dbSNP rs587776466, ClinGen allele CA021909.
Genomic context (GRCh38, chr13:32,339,625, plus strand): 5'-ATACTTATTTAAGTAACAGTAGCATGTCTAACAGCTATTCCTACCATTCTGATGAGGTAT[A>G]TAATGATTCAGGATATCTCTCAAAAAATAAACTTGATTCTGGTATTGAGCCAGTATTGAA-3'
Protein context (NP_000050.3, residues 1747-1767): NSYSYHSDEV[Tyr1757Cys]NDSGYLSKNK